The following is an entry in ClinVar:

NM_003482.4(KMT2D):c.1965C>A (p.Pro655=)

Gene: KMT2D (lysine methyltransferase 2D; minus strand). Cytogenetic location: 12q13.12.
Variant type: single nucleotide variant.
Coding change: c.1965C>A on transcript NM_003482.4 (MANE Select); coding-DNA position 1965, C replaced by A.
Protein change: p.Pro655=; no amino-acid change (proline 655 retained).
Molecular consequence: synonymous variant.
Genome position (GRCh38, 1-based): chr12:49,051,718, G>T on the plus strand (C>A on the coding strand, the complement: KMT2D is on the minus strand). VCF-style: chr12-49051718-G-T. GRCh37 (hg19) VCF-style: chr12-49445501-G-T.
Identifiers: ClinVar variation 309084 (VCV000309084.46), dbSNP rs200939188, ClinGen allele CA6548380.

ClinVar aggregate classification (germline): Benign/Likely benign. Review status: criteria provided, multiple submitters, no conflicts (2 of 4 stars). 8 submissions from 8 submitters: Benign (2); Likely benign (4). 2 of the submissions do not count toward it. Last evaluated 2026-08-01.

Conditions:
Kabuki syndrome. Also called: Kabuki make-up syndrome; NIIKAWA-KUROKI SYNDROME. Identifiers: Orphanet 2322, MedGen C0796004, MONDO:0016512.
KMT2D-related disorder. Also called: KMT2D-Related Disorders.

Allele frequency attached by ClinVar (database versions not stated): 1000 Genomes Project 30x 0.00016; 1000 Genomes Project 0.00020; TOPMed 0.00055; gnomAD 0.00057; ExAC 0.00066; ESP Exome Variant Server 0.00071.
gnomAD v4.1: 1,118 of 1,545,494 alleles (0.072%); highest among the groups gnomAD compares: Middle Eastern, 0.21%; 1 homozygote.

Submissions (8):

CeGaT Center for Human Genetics Tuebingen
Classification: Likely benign. Last evaluated: 2026-08-01. Review status: criteria provided, single submitter. Criteria: CeGaT Center For Human Genetics Tuebingen Variant Classification Criteria Version 2. Collection method: clinical testing. Allele origin: germline. Affected: yes. Observed: 9 variant alleles.
Comment: KMT2D: BP4, BP7

Labcorp Genetics (formerly Invitae), Labcorp
Classification: Benign for Kabuki syndrome. Last evaluated: 2026-01-26. Review status: criteria provided, single submitter. Criteria: Invitae Variant Classification Sherloc (09022015). Collection method: clinical testing. Allele origin: germline.

Blueprint Genetics
Classification: Likely benign. Last evaluated: 2024-11-06. Review status: criteria provided, single submitter. Criteria: ACMG Guidelines, 2015. Collection method: clinical testing. Allele origin: germline.

GeneDx
Classification: Benign. Last evaluated: 2019-12-20. Review status: criteria provided, single submitter. Criteria: GeneDx Variant Classification Process June 2021. Collection method: clinical testing. Allele origin: germline. Affected: yes.

Eurofins Ntd Llc (ga)
Classification: Likely benign. Last evaluated: 2018-04-05. Review status: criteria provided, single submitter. Criteria: EGL ClinVar v180209 classification definitions. Collection method: clinical testing. Allele origin: germline. Observed: 1 variant allele, 1 heterozygote.

Breakthrough Genomics
Classification: Likely benign. Review status: criteria provided, single submitter. Criteria: ACMG Guidelines, 2015. Collection method: not provided. Allele origin: germline. Inheritance: Autosomal dominant inheritance. Affected: yes.

Genetic Services Laboratory, University of Chicago
Classification: Likely benign. Last evaluated: 2022-11-10. Review status: no assertion criteria provided. Collection method: clinical testing. Allele origin: germline. Affected: no. Not counted in ClinVar's aggregate classification.

PreventionGenetics, part of Exact Sciences
Classification: Likely benign for KMT2D-related condition. Last evaluated: 2021-08-24. Review status: no assertion criteria provided. Collection method: clinical testing. Allele origin: germline. Not counted in ClinVar's aggregate classification.
Comment: This variant is classified as likely benign based on ACMG/AMP sequence variant interpretation guidelines (Richards et al. 2015 PMID: 25741868, with internal and published modifications).